The following is an entry in ClinVar:

ClinVar aggregate classification (germline): Pathogenic (1 of 4 stars; one submission).

Conditions:
Alopecia universalis congenita (ALUNC). Also called: ATRICHIA, GENERALIZED. Identifiers: Orphanet 701, MedGen C1859877, MONDO:0008757, OMIM 203655.

Submission:

3billion
Classification: Pathogenic for Alopecia universalis congenita. Last evaluated: 2022-05-22. Review status: criteria provided, single submitter. Criteria: ACMG Guidelines, 2015. Collection method: clinical testing. Allele origin: germline. Affected: yes. Observed: 1 homozygote.
Comment: The variant is not observed in the gnomAD v2.1.1 dataset. Stop-gained (nonsense): predicted to result in a loss or disruption of normal protein function through nonsense-mediated decay (NMD) or protein truncation. Multiple pathogenic variants are reported downstream of the variant. The variant has been reported to co-segregate with the disease in at least one similarly affected relative/individual in the same family or similarly affected unrelated family (PMID:26680117). The variant has been reported to be associated with HR- related disorder (PMID: 26680117). Therefore, this variant is classified as pathogenic according to the recommendation of ACMG/AMP guideline.

Literature cited by the submitters: PubMed 26680117.

NM_005144.5(HR):c.2541G>A (p.Trp847Ter)

Gene: HR (HR lysine demethylase and nuclear receptor corepressor; minus strand). Cytogenetic location: 8p21.3.
Variant type: single nucleotide variant.
Coding change: c.2541G>A on transcript NM_005144.5 (MANE Select); coding-DNA position 2541, G replaced by A.
Protein change: p.Trp847Ter; replaces tryptophan 847 with a stop codon.
Molecular consequence: nonsense.
Genome position (GRCh38, 1-based): chr8:22,120,785, C>T on the plus strand (G>A on the coding strand, the complement: HR is on the minus strand). VCF-style: chr8-22120785-C-T. GRCh37 (hg19) VCF-style: chr8-21978298-C-T.
Other names: c.2541G>A, p.Trp847Ter (NM_018411.4); short protein forms W847*.
Identifiers: ClinVar variation 1687272 (VCV001687272.1), dbSNP rs2131755289, ClinGen allele CA370518806.